The following is an entry in ClinVar:

NM_004064.5(CDKN1B):c.580A>G (p.Arg194Gly)

Gene: CDKN1B (cyclin dependent kinase inhibitor 1B; plus strand). Cytogenetic location: 12p13.1.
Variant type: single nucleotide variant.
Coding change: c.580A>G on transcript NM_004064.5 (MANE Select); coding-DNA position 580, A replaced by G.
Protein change: p.Arg194Gly; replaces arginine 194 with glycine.
Molecular consequence: missense variant.
Genome position (GRCh38, 1-based): chr12:12,718,929, A>G. VCF-style: chr12-12718929-A-G. GRCh37 (hg19) VCF-style: chr12-12871863-A-G.
Other names: short protein forms R194G.
Identifiers: ClinVar variation 1715891 (VCV001715891.5), dbSNP rs2497407736, ClinGen allele CA383973179.
Genomic context (GRCh38, chr12:12,718,929, plus strand): 5'-GTTTCAGACGGTTCCCCAAATGCCGGTTCTGTGGAGCAGACGCCCAAGAAGCCTGGCCTC[A>G]GAAGACGTCAAACGTAAACAGCTCGGTGGGTTGATCACTAAAGGAGCACGCACTGGAACC-3'
Protein context (NP_004055.1, residues 184-198): VEQTPKKPGL[Arg194Gly]RRQT

ClinVar aggregate classification (germline): Uncertain significance (1 of 4 stars; one submission).

Conditions:
Multiple endocrine neoplasia type 4. Also called: MULTIPLE ENDOCRINE NEOPLASIA, TYPE IV. Identifiers: Orphanet 276152, MedGen C1970712, MONDO:0012552, OMIM 610755.

Submission:

Labcorp Genetics (formerly Invitae), Labcorp
Classification: Uncertain significance for Multiple endocrine neoplasia type 4. Last evaluated: 2022-08-09. Review status: criteria provided, single submitter. Criteria: Invitae Variant Classification Sherloc (09022015). Collection method: clinical testing. Allele origin: germline.
Comment: Algorithms developed to predict the effect of missense changes on protein structure and function are either unavailable or do not agree on the potential impact of this missense change (SIFT: "Deleterious"; PolyPhen-2: "Benign"; Align-GVGD: "Class C0"). In summary, the available evidence is currently insufficient to determine the role of this variant in disease. Therefore, it has been classified as a Variant of Uncertain Significance. This sequence change replaces arginine, which is basic and polar, with glycine, which is neutral and non-polar, at codon 194 of the CDKN1B protein (p.Arg194Gly). This variant is not present in population databases (gnomAD no frequency). This variant has not been reported in the literature in individuals affected with CDKN1B-related conditions.